The following is an entry in ClinVar:

ClinVar aggregate classification (germline): Conflicting classifications of pathogenicity. Review status: criteria provided, conflicting classifications (1 of 4 stars). 4 submissions from 4 submitters: Uncertain significance (1); Likely benign (2). 1 of the submissions does not count toward it. Last evaluated 2025-06-23.

Conditions:
CREBBP-related disorder. Also called: CREBBP-related condition; CREBBP-related disorders.
Rubinstein-Taybi syndrome (RSTS). Identifiers: Orphanet 783, MedGen C0035934, MONDO:0019188.

Allele frequency attached by ClinVar (database versions not stated): ExAC 0.00002; gnomAD 0.00002; gnomAD exomes 0.00002 and 0.00003; TOPMed 0.00002.
gnomAD v4.1: 17 of 1,613,344 alleles (0.0011%); highest among the groups gnomAD compares: East Asian, 0.0045%; no homozygotes.

Submissions (4):

Labcorp Genetics (formerly Invitae), Labcorp
Classification: Likely benign for Rubinstein-Taybi syndrome. Last evaluated: 2025-06-23. Review status: criteria provided, single submitter. Criteria: Invitae Variant Classification Sherloc (09022015). Collection method: clinical testing. Allele origin: germline.

Blueprint Genetics
Classification: Likely benign. Last evaluated: 2024-10-31. Review status: criteria provided, single submitter. Criteria: ACMG Guidelines, 2015. Collection method: clinical testing. Allele origin: germline.

GeneDx
Classification: Uncertain significance. Last evaluated: 2019-12-12. Review status: criteria provided, single submitter. Criteria: GeneDx Variant Classification Process June 2021. Collection method: clinical testing. Allele origin: germline. Affected: yes.
Comment: In silico analysis, which includes protein predictors and evolutionary conservation, supports a deleterious effect; Has not been previously published as pathogenic or benign to our knowledge

PreventionGenetics, part of Exact Sciences
Classification: Uncertain significance for CREBBP-related condition. Last evaluated: 2024-07-23. Review status: no assertion criteria provided. Collection method: clinical testing. Allele origin: germline. Not counted in ClinVar's aggregate classification.
Comment: The CREBBP c.2410G>A variant is predicted to result in the amino acid substitution p.Gly804Arg. To our knowledge, this variant has not been reported in the literature. This variant is reported in 0.0054% of alleles in individuals of European (Non-Finnish) descent in gnomAD. At this time, the clinical significance of this variant is uncertain due to the absence of conclusive functional and genetic evidence.

NM_004380.3(CREBBP):c.2410G>A (p.Gly804Arg)

Gene: CREBBP (CREB binding lysine acetyltransferase; minus strand). Cytogenetic location: 16p13.3.
Variant type: single nucleotide variant.
Coding change: c.2410G>A on transcript NM_004380.3 (MANE Select); coding-DNA position 2410, G replaced by A.
Protein change: p.Gly804Arg; replaces glycine 804 with arginine.
Molecular consequence: missense variant.
Genome position (GRCh38, 1-based): chr16:3,773,804, C>T on the plus strand (G>A on the coding strand, the complement: CREBBP is on the minus strand). VCF-style: chr16-3773804-C-T. GRCh37 (hg19) VCF-style: chr16-3823805-C-T.
Other names: c.2296G>A, p.Gly766Arg (NM_001079846.1); short protein forms G766R, G804R.
Identifiers: ClinVar variation 1303001 (VCV001303001.9), dbSNP rs754981072, ClinGen allele CA7870144.